The following is an entry in ClinVar:

ClinVar aggregate classification (germline): Uncertain significance (1 of 4 stars; one submission).

Conditions:
Glycogen storage disease, type II (IOPD). Also called: Pompe Disease; CARDIOMEGALIA GLYCOGENICA DIFFUSA; GLYCOGENOSIS, GENERALIZED, CARDIAC FORM; GSD II; POMPE DISEASE, INFANTILE-ONSET; GLYCOGEN STORAGE DISEASE II, INFANTILE-ONSET. Identifiers: Orphanet 365, MedGen C0017921, MONDO:0009290, OMIM 232300.

Submission:

Genomenon, Inc
Classification: Uncertain significance for Glycogen storage disease, type II. Last evaluated: 2026-07-01. Review status: criteria provided, single submitter. Criteria: Genomenon Sequence Variant Interpretation Standards - Updated. Collection method: curation. Allele origin: germline. Affected: yes.
Comment: GAA p.Leu431Pro (c.1292T>C) is a missense variant that changes the amino acid at codon 431 from Leucine to Proline. This variant has been observed in at least one proband with a GAA-related disorder (PMID:40225932). It is absent or not present at a significant frequency in gnomAD. In silico models predict that this variant is possibly or probably damaging. In conclusion, we classify GAA p.Leu431Pro (c.1292T>C) as a variant of uncertain significance.

Literature cited by the submitters: PubMed 40225932.

NM_000152.5(GAA):c.1292T>C (p.Leu431Pro)

Gene: GAA (alpha glucosidase; plus strand). Cytogenetic location: 17q25.3.
Variant type: single nucleotide variant.
Coding change: c.1292T>C on transcript NM_000152.5 (MANE Select); coding-DNA position 1292, T replaced by C.
Protein change: p.Leu431Pro; replaces leucine 431 with proline.
Molecular consequence: missense variant.
Genome position (GRCh38, 1-based): chr17:80,108,794, T>C. VCF-style: chr17-80108794-T-C. GRCh37 (hg19) VCF-style: chr17-78082593-T-C.
Other names: c.1292T>C, p.Leu431Pro (NM_001079803.3, NM_001079804.3, NM_001406741.1 and 1 more transcripts); short protein forms L431P.
Identifiers: ClinVar variation 4876579 (VCV004876579.1).
Genomic context (GRCh38, chr17:80,108,794, plus strand): 5'-GGAGGGACTTCACGTTCAACAAGGATGGCTTCCGGGACTTCCCGGCCATGGTGCAGGAGC[T>C]GCACCAGGGCGGCCGGCGCTACATGATGATCGTGGTGTGTGCCCCCACACTGTGGGTCTT-3'
Protein context (NP_000143.2, residues 421-441): FRDFPAMVQE[Leu431Pro]HQGGRRYMMI